The following is an entry in ClinVar:

NM_006206.6(PDGFRA):c.1147C>T (p.Arg383Cys)

Gene: PDGFRA (platelet derived growth factor receptor alpha; plus strand). Cytogenetic location: 4q12.
Variant type: single nucleotide variant.
Coding change: c.1147C>T on transcript NM_006206.6 (MANE Select); coding-DNA position 1147, C replaced by T.
Protein change: p.Arg383Cys; replaces arginine 383 with cysteine.
Molecular consequence: missense variant.
Genome position (GRCh38, 1-based): chr4:54,270,658, C>T. VCF-style: chr4-54270658-C-T. GRCh37 (hg19) VCF-style: chr4-55136825-C-T.
Other names: c.1147C>T, p.Arg383Cys (NM_001347827.2, NM_001347829.2); c.1222C>T, p.Arg408Cys (NM_001347828.2); c.1186C>T, p.Arg396Cys (NM_001347830.2); short protein forms R383C, R396C, R408C.
Identifiers: ClinVar variation 640158 (VCV000640158.10), dbSNP rs1324781921, ClinGen allele CA356891917.

ClinVar aggregate classification (germline): Conflicting classifications of pathogenicity. Review status: criteria provided, conflicting classifications (1 of 4 stars). 2 submissions from 2 submitters: Uncertain significance (1); Likely benign (1). Last evaluated 2025-08-18.

Conditions:
Gastrointestinal stromal tumor. Also called: Gastrointestinal stromal tumor, somatic; Gastrointestinal stroma tumor. Identifiers: Orphanet 44890, MedGen C0238198, MeSH D046152, MONDO:0011719, OMIM 606764, HP:0100723.
Hereditary cancer-predisposing syndrome. Also called: Hereditary Cancer Syndrome; Tumor predisposition; Neoplastic Syndromes, Hereditary; Hereditary neoplastic syndrome. Identifiers: Orphanet 140162, MedGen C0027672, MeSH D009386, MONDO:0015356.

Allele frequency attached by ClinVar (database versions not stated): gnomAD exomes below 0.00001 and 0.00001; TOPMed below 0.00001; gnomAD 0.00001.
gnomAD v4.1: 6 of 1,609,488 alleles (0.00037%); highest among the groups gnomAD compares: African/African-American, 0.0027%; no homozygotes.

Submissions (2):

Labcorp Genetics (formerly Invitae), Labcorp
Classification: Uncertain significance for Gastrointestinal stromal tumor. Last evaluated: 2025-08-18. Review status: criteria provided, single submitter. Criteria: Invitae Variant Classification Sherloc (09022015). Collection method: clinical testing. Allele origin: germline.
Comment: This sequence change replaces arginine, which is basic and polar, with cysteine, which is neutral and slightly polar, at codon 383 of the PDGFRA protein (p.Arg383Cys). This variant is present in population databases (no rsID available, gnomAD 0.01%). This variant has not been reported in the literature in individuals affected with PDGFRA-related conditions. ClinVar contains an entry for this variant (Variation ID: 640158). Invitae Evidence Modeling of protein sequence and biophysical properties (such as structural, functional, and spatial information, amino acid conservation, physicochemical variation, residue mobility, and thermodynamic stability) indicates that this missense variant is not expected to disrupt PDGFRA protein function with a negative predictive value of 80%. In summary, the available evidence is currently insufficient to determine the role of this variant in disease. Therefore, it has been classified as a Variant of Uncertain Significance.

Ambry Genetics
Classification: Likely benign for Hereditary cancer-predisposing syndrome. Last evaluated: 2024-08-20. Review status: criteria provided, single submitter. Criteria: Ambry Variant Classification Scheme 2023. Collection method: clinical testing. Allele origin: germline.